The following is an entry in ClinVar:

ClinVar aggregate classification (germline): Uncertain significance (1 of 4 stars; one submission).

gnomAD v4.1: 6 of 1,608,148 alleles (0.00037%); highest among the groups gnomAD compares: South Asian, 0.0055%; no homozygotes.

Submission:

GeneDx
Classification: Uncertain significance. Last evaluated: 2023-05-31. Review status: criteria provided, single submitter. Criteria: GeneDx Variant Classification Process June 2021. Collection method: clinical testing. Allele origin: germline. Affected: yes.
Comment: In silico analysis supports that this missense variant has a deleterious effect on protein structure/function; In silico analysis suggests this variant may impact gene splicing. In the absence of RNA/functional studies, the actual effect of this sequence change is unknown.; Has not been previously published as pathogenic or benign to our knowledge

NM_194248.3(OTOF):c.1822G>A (p.Glu608Lys)

Gene: OTOF (otoferlin; minus strand). Cytogenetic location: 2p23.3.
Variant type: single nucleotide variant.
Coding change: c.1822G>A on transcript NM_194248.3 (MANE Select); coding-DNA position 1822, G replaced by A.
Protein change: p.Glu608Lys; replaces glutamic acid 608 with lysine.
Molecular consequence: missense variant.
Genome position (GRCh38, 1-based): chr2:26,480,293, C>T on the plus strand (G>A on the coding strand, the complement: OTOF is on the minus strand). VCF-style: chr2-26480293-C-T. GRCh37 (hg19) VCF-style: chr2-26703161-C-T.
Other names: c.1822G>A, p.Glu608Lys (NM_001287489.2); short protein forms E608K.
Identifiers: ClinVar variation 3361953 (VCV003361953.1).